The following is an entry in ClinVar:

ClinVar aggregate classification (germline): Benign (1 of 4 stars; one submission).

Submission:

CeGaT Center for Human Genetics Tuebingen
Classification: Benign. Last evaluated: 2024-02-01. Review status: criteria provided, single submitter. Criteria: CeGaT Center For Human Genetics Tuebingen Variant Classification Criteria Version 2. Collection method: clinical testing. Allele origin: germline. Affected: yes. Observed: 2 variant alleles.
Comment: ABCA4: BS1, BS2

NM_000350.3(ABCA4):c.1938-822_1938-808del

Gene: ABCA4 (ATP binding cassette subfamily A member 4; minus strand). Cytogenetic location: 1p22.1.
Variant type: Deletion.
Coding change: c.1938-822_1938-808del on transcript NM_000350.3 (MANE Select); 822 bases into the intron before coding-DNA position 1938 through 808 bases into the intron before coding-DNA position 1938, 15 bases deleted (TACGAACATATGCTT).
Molecular consequence: intron variant.
Genome position (GRCh38, 1-based): chr1:94,061,567-94,061,581, AAGCATATGTTCGTA deleted on the plus strand (TACGAACATATGCTT on the coding strand, the reverse complement: ABCA4 is on the minus strand); deleting any 15 consecutive bases within chr1:94,061,567-94,061,587 gives the same sequence; the c. name uses the placement nearest the transcript's 3' end. VCF-style (leftmost placement, unchanged base first): chr1-94061566-GAAGCATATGTTCGTA-G. GRCh37 (hg19) VCF-style: chr1-94527122-GAAGCATATGTTCGTA-G.
Identifiers: ClinVar variation 1298431 (VCV001298431.35), dbSNP rs558115674, ClinGen allele CA26847161.
Genomic context (GRCh38, chr1:94,061,566, plus strand): 5'-GTCACTGAAAGGGCCCAATTCCAGCATGGGAGGGTTTCACTCAAGGTGGCCCTAGGGAGA[GAAGCATATGTTCGTA>G]AAGCATGCACTTCTGGGACTAGCCACCAGAGGACTCTCCCATACCAAATGACCCAGCTCC-3'